The following is an entry in ClinVar:

NM_000051.4(ATM):c.1304T>G (p.Leu435Ter)

Gene: ATM (ATM serine/threonine kinase; plus strand). Cytogenetic location: 11q22.3.
Variant type: single nucleotide variant.
Coding change: c.1304T>G on transcript NM_000051.4 (MANE Select); coding-DNA position 1304, T replaced by G.
Protein change: p.Leu435Ter; replaces leucine 435 with a stop codon.
Molecular consequence: nonsense.
Genome position (GRCh38, 1-based): chr11:108,250,769, T>G. VCF-style: chr11-108250769-T-G. GRCh37 (hg19) VCF-style: chr11-108121496-T-G.
Other names: c.1304T>G, p.Leu435Ter (NM_001351834.2); short protein forms L435*.
Identifiers: ClinVar variation 662986 (VCV000662986.6), dbSNP rs1565382166, ClinGen allele CA382533608.

ClinVar aggregate classification (germline): Pathogenic (1 of 4 stars; one submission).

Conditions:
Ataxia-telangiectasia syndrome (AT). Also called: Ataxia-telangiectasia, complementation group D; AT, COMPLEMENTATION GROUP C; Ataxia telangiectasia (A-T); Cerebello-oculocutaneous telangiectasia; Immunodeficiency with ataxia telangiectasia; ATAXIA-TELANGIECTASIA, COMPLEMENTATION GROUP A. Identifiers: Orphanet 100, MedGen C0004135, MONDO:0008840, OMIM 208900.

Submission:

Labcorp Genetics (formerly Invitae), Labcorp
Classification: Pathogenic for Ataxia-telangiectasia syndrome. Last evaluated: 2018-10-09. Review status: criteria provided, single submitter. Criteria: Invitae Variant Classification Sherloc (09022015). Collection method: clinical testing. Allele origin: germline.
Comment: This sequence change creates a premature translational stop signal (p.Leu435*) in the ATM gene. It is expected to result in an absent or disrupted protein product. This variant is not present in population databases (ExAC no frequency). This variant has not been reported in the literature in individuals with ATM-related disease. Loss-of-function variants in ATM are known to be pathogenic (PMID: 23807571, 25614872). For these reasons, this variant has been classified as Pathogenic.

Literature cited by the submitters: PubMed 23807571; PubMed 25614872.